The following is an entry in ClinVar:

ClinVar aggregate classification (germline): Uncertain significance. Review status: criteria provided, single submitter (1 of 4 stars). 2 submissions from 2 submitters: Uncertain significance (1). 1 of the submissions does not count toward it. Last evaluated 2025-12-08.

Conditions:
TRAP1-related disorder. Also called: TRAP1-related condition.

Submissions (2):

Labcorp Genetics (formerly Invitae), Labcorp
Classification: Uncertain significance. Last evaluated: 2025-12-08. Review status: criteria provided, single submitter. Criteria: Invitae Variant Classification Sherloc (09022015). Collection method: clinical testing. Allele origin: germline.
Comment: This sequence change falls in intron 16 of the TRAP1 gene. It does not directly change the encoded amino acid sequence of the TRAP1 protein. This variant is present in population databases (rs764706401, gnomAD 0.03%). This variant has not been reported in the literature in individuals affected with TRAP1-related conditions. ClinVar contains an entry for this variant (Variation ID: 3351598). Experimental studies and prediction algorithms are not available or were not evaluated, and the effect of this variant on mRNA splicing is currently unknown. In summary, the available evidence is currently insufficient to determine the role of this variant in disease. Therefore, it has been classified as a Variant of Uncertain Significance.

PreventionGenetics, part of Exact Sciences
Classification: Uncertain significance for TRAP1-related condition. Last evaluated: 2024-03-27. Review status: no assertion criteria provided. Collection method: clinical testing. Allele origin: germline. Not counted in ClinVar's aggregate classification.
Comment: The TRAP1 c.1938_1940+8dup11 variant is predicted to result in an intronic duplication. This variant is predicted to impact splicing based on splicing prediction programs (SpliceAI, Jaganathan K, et al. 2019. PubMed ID: 30661751). To our knowledge, this variant has not been reported in the literature. This variant is reported in 0.033% of alleles in individuals of Latino descent in gnomAD. At this time, the clinical significance of this variant is uncertain due to the absence of conclusive functional and genetic evidence.

NM_016292.3(TRAP1):c.1938_1940+8dup

Genes: DNASE1 (deoxyribonuclease 1; plus strand), TRAP1 (TNF receptor associated protein 1; minus strand). Cytogenetic location: 16p13.3.
Variant type: Duplication.
Coding change: c.1938_1940+8dup on transcript NM_016292.3 (MANE Select); coding-DNA position 1938 through 8 bases into the intron after coding-DNA position 1940, 11 bases duplicated (CAGGTGAGGCC).
Molecular consequence: splice donor variant. On other transcripts: intron variant (1).
Genome position (GRCh38, 1-based): chr16:3,661,979-3,661,989, GGCCTCACCTG duplicated on the plus strand (CAGGTGAGGCC on the coding strand, the reverse complement: TRAP1 is on the minus strand); duplicating any 11 consecutive bases within chr16:3,661,979-3,661,991 gives the same sequence; the c. name uses the placement nearest the transcript's 3' end. VCF-style (leftmost placement, unchanged base first): chr16-3661978-T-TGGCCTCACCTG. GRCh37 (hg19) VCF-style: chr16-3711979-T-TGGCCTCACCTG.
Other names: c.*22-665_*22-655dup (NM_001387140.1); c.1779_1781+8dup (NM_001272049.2).
Identifiers: ClinVar variation 3351598 (VCV003351598.3).